The following is an entry in ClinVar:

ClinVar aggregate classification (germline): Pathogenic. Review status: criteria provided, multiple submitters, no conflicts (2 of 4 stars). 3 submissions from 3 submitters: Pathogenic (2). 1 of the submissions does not count toward it. Last evaluated 2022-11-10.

Conditions:
Retinitis pigmentosa-juvenile cataract-short stature-intellectual disability syndrome. Also called: Retinal dystrophy, juvenile cataracts, and short stature syndrome. Identifiers: Orphanet 436245, MedGen C4015242, MONDO:0014495, OMIM 616108.

Allele frequency attached by ClinVar (database versions not stated): gnomAD 0.00001; gnomAD exomes 0.00001; TOPMed 0.00003.
gnomAD v4.1: 15 of 1,570,784 alleles (0.00095%); highest among the groups gnomAD compares: East Asian, 0.0023%; no homozygotes.

Submissions (3):

Labcorp Genetics (formerly Invitae), Labcorp
Classification: Pathogenic. Last evaluated: 2022-11-10. Review status: criteria provided, single submitter. Criteria: Invitae Variant Classification Sherloc (09022015). Collection method: clinical testing. Allele origin: germline.
Comment: For these reasons, this variant has been classified as Pathogenic. ClinVar contains an entry for this variant (Variation ID: 161115). This premature translational stop signal has been observed in individual(s) with syndromic retinal dystrophy (PMID: 24916380). It has also been observed to segregate with disease in related individuals. This variant is present in population databases (rs606231423, gnomAD 0.003%). This sequence change creates a premature translational stop signal (p.Arg67*) in the RDH11 gene. It is expected to result in an absent or disrupted protein product. Loss-of-function variants in RDH11 are known to be pathogenic (PMID: 24916380).

Lupski Lab, Baylor-Hopkins CMG, Baylor College of Medicine
Classification: Pathogenic for Retinitis pigmentosa-juvenile cataract-short stature-intellectual disability syndrome. Last evaluated: 2014-11-01. Review status: criteria provided, single submitter. Criteria: Xie et al. (Hum Mol Genet. 2014). Collection method: research. Allele origin: paternal. Inheritance: Autosomal recessive inheritance. Affected: yes. Observed: 3 variant alleles, 3 compound heterozygotes.
Comment: This variant was found in trans with pathogenic variant NM_016026.3:c.322C>T in three compound heterozygotes with retinal dystrophy, juvenile cataracts, and short stature syndrome

OMIM
Classification: Pathogenic for RETINAL DYSTROPHY, JUVENILE CATARACTS, AND SHORT STATURE SYNDROME (1 family). Last evaluated: 2014-11-01. Review status: no assertion criteria provided. Collection method: literature only. Allele origin: germline. Not counted in ClinVar's aggregate classification.

Literature cited by the submitters: PubMed 24916380 (cited by Labcorp Genetics (formerly Invitae), Labcorp and OMIM).

NM_016026.4(RDH11):c.199C>T (p.Arg67Ter)

Genes: GPHN (gephyrin; plus strand), RDH11 (retinol dehydrogenase 11; minus strand). Cytogenetic location: 14q24.1.
Variant type: single nucleotide variant.
Coding change: c.199C>T on transcript NM_016026.4 (MANE Select); coding-DNA position 199, C replaced by T.
Protein change: p.Arg67Ter; replaces arginine 67 with a stop codon.
Molecular consequence: nonsense.
Genome position (GRCh38, 1-based): chr14:67,692,588, G>A on the plus strand (C>T on the coding strand, the complement: RDH11 is on the minus strand). VCF-style: chr14-67692588-G-A. GRCh37 (hg19) VCF-style: chr14-68159305-G-A.
Other names: c.199C>T, p.Arg67Ter (NM_001252650.2); short protein forms R67*.
Identifiers: ClinVar variation 161115 (VCV000161115.10), dbSNP rs606231423, ClinGen allele CA214520.